The following is an entry in ClinVar:

NM_001105206.3(LAMA4):c.3558-14A>C

Gene: LAMA4 (laminin subunit alpha 4; minus strand). Cytogenetic location: 6q21.
Variant type: single nucleotide variant.
Coding change: c.3558-14A>C on transcript NM_001105206.3 (MANE Select); 14 bases into the intron before coding-DNA position 3558, A replaced by C.
Molecular consequence: intron variant.
Genome position (GRCh38, 1-based): chr6:112,133,501, T>G on the plus strand (A>C on the coding strand, the complement: LAMA4 is on the minus strand). VCF-style: chr6-112133501-T-G. GRCh37 (hg19) VCF-style: chr6-112454703-T-G.
Other names: c.3537-14A>C (NM_002290.5, NM_001105207.3).
Identifiers: ClinVar variation 670043 (VCV000670043.10), dbSNP rs782132702, ClinGen allele CA569682567.

ClinVar aggregate classification (germline): Likely benign. Review status: criteria provided, multiple submitters, no conflicts (2 of 4 stars). 2 submissions from 2 submitters: Likely benign (2). Last evaluated 2025-03-22.

Conditions:
Dilated cardiomyopathy 1JJ (CMD1JJ). Identifiers: Orphanet 154, MedGen C3808935, MONDO:0014095, OMIM 615235.

Allele frequency attached by ClinVar (database versions not stated): gnomAD 0.00001.
gnomAD v4.1: 29 of 1,613,304 alleles (0.0018%); highest among the groups gnomAD compares: Non-Finnish European, 0.0024%; no homozygotes.

Submissions (2):

Labcorp Genetics (formerly Invitae), Labcorp
Classification: Likely benign for Dilated cardiomyopathy 1JJ. Last evaluated: 2025-03-22. Review status: criteria provided, single submitter. Criteria: Invitae Variant Classification Sherloc (09022015). Collection method: clinical testing. Allele origin: germline.

GeneDx
Classification: Likely benign. Last evaluated: 2018-06-05. Review status: criteria provided, single submitter. Criteria: GeneDx Variant Classification (06012015). Collection method: clinical testing. Allele origin: germline. Affected: yes.
Comment: This variant is considered likely benign or benign based on one or more of the following criteria: it is a conservative change, it occurs at a poorly conserved position in the protein, it is predicted to be benign by multiple in silico algorithms, and/or has population frequency not consistent with disease.